The following is an entry in ClinVar:

NC_000001.10:g.(?_24172205)_(24194776_?)del

Gene: FUCA1 (alpha-L-fucosidase 1; minus strand). Cytogenetic location: 1p36.11.
Variant type: Deletion.
Identifiers: ClinVar variation 2422463 (VCV002422463.3).

ClinVar aggregate classification (germline): Pathogenic (1 of 4 stars; one submission).

Conditions:
Fucosidosis. Also called: ALPHA-L-FUCOSIDASE DEFICIENCY. Identifiers: Orphanet 349, MedGen C0016788, MONDO:0009254, OMIM 230000.

Submission:

Labcorp Genetics (formerly Invitae), Labcorp
Classification: Pathogenic for Fucosidosis. Last evaluated: 2022-10-11. Review status: criteria provided, single submitter. Criteria: Invitae Variant Classification Sherloc (09022015). Collection method: clinical testing. Allele origin: germline.
Comment: A similar copy number variant has been observed in individual(s) with fucosidosis (PMID: 10496076). A gross deletion of the genomic region encompassing the full coding sequence of the FUCA1 gene has been identified. Loss-of-function variants in FUCA1 are known to be pathogenic (PMID: 10094192). The boundaries of this event are unknown as they extend beyond the assayed region for this gene and therefore may encompass additional genes. For these reasons, this variant has been classified as Pathogenic.

Literature cited by the submitters: PubMed 10496076; PubMed 10094192.